The following is an entry in ClinVar:

NM_000152.5(GAA):c.1184A>G (p.His395Arg)

Gene: GAA (alpha glucosidase; plus strand). Cytogenetic location: 17q25.3.
Variant type: single nucleotide variant.
Coding change: c.1184A>G on transcript NM_000152.5 (MANE Select); coding-DNA position 1184, A replaced by G.
Protein change: p.His395Arg; replaces histidine 395 with arginine.
Molecular consequence: missense variant.
Genome position (GRCh38, 1-based): chr17:80,108,597, A>G. VCF-style: chr17-80108597-A-G. GRCh37 (hg19) VCF-style: chr17-78082396-A-G.
Other names: c.1184A>G, p.His395Arg (NM_001079803.3, NM_001079804.3); short protein forms H395R.
Identifiers: ClinVar variation 1425433 (VCV001425433.5), dbSNP rs775121651, ClinGen allele CA401365124.

ClinVar aggregate classification (germline): Uncertain significance (1 of 4 stars; one submission).

Conditions:
Glycogen storage disease, type II (IOPD). Also called: Aglucosidase alfa; Deficiency of alpha-glucosidase; Deficiency of lysosomal alpha-glucosidase; CARDIOMEGALIA GLYCOGENICA DIFFUSA; Glucosidase acid-1,4-alpha deficiency; Pompe Disease. Identifiers: Orphanet 365, MedGen C0017921, MONDO:0009290, OMIM 232300.

gnomAD v4.1: 4 of 1,612,744 alleles (0.00025%); highest among the groups gnomAD compares: Admixed American, 0.0017%; no homozygotes.

Submission:

Labcorp Genetics (formerly Invitae), Labcorp
Classification: Uncertain significance for Glycogen storage disease, type II. Last evaluated: 2022-07-20. Review status: criteria provided, single submitter. Criteria: Invitae Variant Classification Sherloc (09022015). Collection method: clinical testing. Allele origin: germline.
Comment: This sequence change replaces histidine, which is basic and polar, with arginine, which is basic and polar, at codon 395 of the GAA protein (p.His395Arg). This variant is not present in population databases (gnomAD no frequency). This variant has not been reported in the literature in individuals affected with GAA-related conditions. ClinVar contains an entry for this variant (Variation ID: 1425433). Advanced modeling of protein sequence and biophysical properties (such as structural, functional, and spatial information, amino acid conservation, physicochemical variation, residue mobility, and thermodynamic stability) performed at Invitae indicates that this missense variant is not expected to disrupt GAA protein function. In summary, the available evidence is currently insufficient to determine the role of this variant in disease. Therefore, it has been classified as a Variant of Uncertain Significance.